The following is an entry in ClinVar:

NM_020693.4(DSCAML1):c.1289C>T (p.Ala430Val)

Gene: DSCAML1 (DS cell adhesion molecule like 1; minus strand). Cytogenetic location: 11q23.3.
Variant type: single nucleotide variant.
Coding change: c.1289C>T on transcript NM_020693.4 (MANE Select); coding-DNA position 1289, C replaced by T.
Protein change: p.Ala430Val; replaces alanine 430 with valine.
Molecular consequence: missense variant.
Genome position (GRCh38, 1-based): chr11:117,518,687, G>A on the plus strand (C>T on the coding strand, the complement: DSCAML1 is on the minus strand). VCF-style: chr11-117518687-G-A. GRCh37 (hg19) VCF-style: chr11-117389402-G-A.
Other names: c.1289C>T, p.Ala430Val (NM_001367904.1); c.881C>T, p.Ala294Val (NM_001367905.1); short protein forms A294V, A430V.
Identifiers: ClinVar variation 1917126 (VCV001917126.5), dbSNP rs749440763, ClinGen allele CA6297306.
Genomic context (GRCh38, chr11:117,518,687, plus strand): 5'-CGCACGATGGGCTCATCGTCGAGGGCCCAGGTGACCGTGGGGGGCGGGGCGCCCTTGGCC[G>A]CACACATCAGTGAGAACTGCTCCCCGGGGTTGACCACCTTCTCGCTGAAGGACGAGACGA-3'
Protein context (NP_065744.3, residues 420-440): NPGEQFSLMC[Ala430Val]AKGAPPPTVT

ClinVar aggregate classification (germline): Uncertain significance (1 of 4 stars; one submission).

Allele frequency attached by ClinVar (database versions not stated): ExAC 0.00002; gnomAD 0.00002; gnomAD exomes 0.00002; TOPMed 0.00004.

Submission:

Labcorp Genetics (formerly Invitae), Labcorp
Classification: Uncertain significance. Last evaluated: 2025-07-22. Review status: criteria provided, single submitter. Criteria: Invitae Variant Classification Sherloc (09022015). Collection method: clinical testing. Allele origin: germline.
Comment: This sequence change replaces alanine, which is neutral and non-polar, with valine, which is neutral and non-polar, at codon 490 of the DSCAML1 protein (p.Ala490Val). This variant is present in population databases (rs749440763, gnomAD 0.009%). This variant has not been reported in the literature in individuals affected with DSCAML1-related conditions. ClinVar contains an entry for this variant (Variation ID: 1917126). An algorithm developed to predict the effect of missense changes on protein structure and function (PolyPhen-2) suggests that this variant is likely to be tolerated. In summary, the available evidence is currently insufficient to determine the role of this variant in disease. Therefore, it has been classified as a Variant of Uncertain Significance.